The following is an entry in ClinVar:

NM_013262.4(MYLIP):c.466A>G (p.Ile156Val)

Gene: MYLIP (myosin regulatory light chain interacting protein; plus strand). Cytogenetic location: 6p22.3.
Variant type: single nucleotide variant.
Coding change: c.466A>G on transcript NM_013262.4 (MANE Select); coding-DNA position 466, A replaced by G.
Protein change: p.Ile156Val; replaces isoleucine 156 with valine.
Molecular consequence: missense variant.
Genome position (GRCh38, 1-based): chr6:16,143,021, A>G. VCF-style: chr6-16143021-A-G. GRCh37 (hg19) VCF-style: chr6-16143252-A-G.
Other names: short protein forms I156V.
Identifiers: ClinVar variation 2371311 (VCV002371311.4), dbSNP rs368767683, ClinGen allele CA134849479.

ClinVar aggregate classification (germline): Uncertain significance. Review status: criteria provided, multiple submitters, no conflicts (2 of 4 stars). 2 submissions from 2 submitters: Uncertain significance (2). Last evaluated 2025-09-28.

Allele frequency attached by ClinVar (database versions not stated): gnomAD exomes 0.00002; gnomAD 0.00003; TOPMed 0.00003; ESP Exome Variant Server 0.00008.
gnomAD v4.1: 27 of 1,613,534 alleles (0.0017%); highest among the groups gnomAD compares: African/African-American, 0.004%; no homozygotes.

Submissions (2):

Labcorp Genetics (formerly Invitae), Labcorp
Classification: Uncertain significance. Last evaluated: 2025-09-28. Review status: criteria provided, single submitter. Criteria: Invitae Variant Classification Sherloc (09022015). Collection method: clinical testing. Allele origin: germline.
Comment: This sequence change replaces isoleucine, which is neutral and non-polar, with valine, which is neutral and non-polar, at codon 156 of the MYLIP protein (p.Ile156Val). This variant is present in population databases (rs368767683, gnomAD 0.003%). This variant has not been reported in the literature in individuals affected with MYLIP-related conditions. ClinVar contains an entry for this variant (Variation ID: 2371311). An algorithm developed to predict the effect of missense changes on protein structure and function (PolyPhen-2) suggests that this variant is likely to be tolerated. In summary, the available evidence is currently insufficient to determine the role of this variant in disease. Therefore, it has been classified as a Variant of Uncertain Significance.

Ambry Genetics
Classification: Uncertain significance. Last evaluated: 2025-01-21. Review status: criteria provided, single submitter. Criteria: Ambry Variant Classification Scheme 2023. Collection method: clinical testing. Allele origin: germline.